The following is an entry in ClinVar:

NM_000059.4(BRCA2):c.4986del (p.Val1663fs)

Gene: BRCA2 (BRCA2 DNA repair associated; plus strand). Cytogenetic location: 13q13.1.
Variant type: Deletion.
Coding change: c.4986del on transcript NM_000059.4 (MANE Select); coding-DNA position 4986, one base deleted (A; older notation c.4986delA).
Protein change: p.Val1663fs; shifts the reading frame from valine 1663.
Molecular consequence: frameshift variant. On other transcripts: non-coding transcript variant (1), intron variant (2).
Genome position (GRCh38, 1-based): chr13:32,339,341, A deleted. VCF-style (leftmost placement, unchanged base first): chr13-32339340-CA-C. GRCh37 (hg19) VCF-style: chr13-32913477-CA-C.
Other names: c.4986del, p.Val1663fs (NM_001406719.1, NM_001406720.1); c.1910-5217del (NM_001406721.1); c.425-5217del (NM_001406722.1); short protein forms V1663fs.
Identifiers: ClinVar variation 2821829 (VCV002821829.3), dbSNP rs2548529758, ClinGen allele CA2739277589.

ClinVar aggregate classification (germline): Pathogenic (1 of 4 stars; one submission).

Conditions:
Hereditary breast ovarian cancer syndrome. Also called: Hereditary breast and/or ovarian cancer syndrome; Hereditary breast and ovarian cancer; Hereditary breast and ovarian cancer syndrome; Breast and ovarian cancer; Hereditary breast and ovarian cancer syndrome (HBOC); BRCA1- and BRCA2-Associated Hereditary Breast and Ovarian Cancer. Identifiers: Orphanet 145, MedGen C0677776, MeSH D061325, MONDO:0003582. Disease mechanism: loss of function.

Submission:

Labcorp Genetics (formerly Invitae), Labcorp
Classification: Pathogenic for Hereditary breast ovarian cancer syndrome. Last evaluated: 2022-12-20. Review status: criteria provided, single submitter. Criteria: Invitae Variant Classification Sherloc (09022015). Collection method: clinical testing. Allele origin: germline.
Comment: This sequence change creates a premature translational stop signal (p.Val1663Serfs*7) in the BRCA2 gene. It is expected to result in an absent or disrupted protein product. Loss-of-function variants in BRCA2 are known to be pathogenic (PMID: 20104584). This variant is not present in population databases (gnomAD no frequency). This variant has not been reported in the literature in individuals affected with BRCA2-related conditions. This variant is also known as c.5214delA. For these reasons, this variant has been classified as Pathogenic.

Literature cited by the submitters: PubMed 20104584.